The following is an entry in ClinVar:

ClinVar aggregate classification (germline): Likely benign. Review status: criteria provided, multiple submitters, no conflicts (2 of 4 stars). 2 submissions from 2 submitters: Likely benign (2). Last evaluated 2026-06-01.

gnomAD v4.1: 689 of 1,614,230 alleles (0.043%); highest among the groups gnomAD compares: African/African-American, 0.8%; 3 homozygotes.

Submissions (2):

CeGaT Center for Human Genetics Tuebingen
Classification: Likely benign. Last evaluated: 2026-06-01. Review status: criteria provided, single submitter. Criteria: CeGaT Center For Human Genetics Tuebingen Variant Classification Criteria Version 2. Collection method: clinical testing. Allele origin: germline. Affected: yes. Observed: 1 variant allele.
Comment: RP1L1: BP4, BP7

Blueprint Genetics
Classification: Likely benign. Last evaluated: 2024-08-23. Review status: criteria provided, single submitter. Criteria: ACMG Guidelines, 2015. Collection method: clinical testing. Allele origin: germline.

NM_178857.6(RP1L1):c.7143C>T (p.Leu2381=)

Gene: RP1L1 (RP1 like 1). Cytogenetic location: 8p23.1.
Variant type: single nucleotide variant.
Coding change: c.7143C>T on transcript NM_178857.6 (MANE Select); coding-DNA position 7143, C replaced by T.
Protein change: p.Leu2381=; no amino-acid change (leucine 2381 retained).
Molecular consequence: synonymous variant.
Genome position (GRCh38, 1-based): chr8:10,606,955, G>A on the plus strand (C>T on the coding strand, the complement: RP1L1 is on the minus strand). VCF-style: chr8-10606955-G-A. GRCh37 (hg19) VCF-style: chr8-10464465-G-A.
Identifiers: ClinVar variation 4872859 (VCV004872859.3).
Genomic context (GRCh38, chr8:10,606,955, plus strand): 5'-CTAGAAATCTAAGTCATCTTGGCCAAAGCCGTCTGCCCTGCCCACTGCCTCAGTGGGGGC[G>A]AGACTTCCGAGTGCCTGGTCCTCTTGTAGGTCATAACCTTCACTGGCCCCCTGCTCTGGA-3'
Protein context (NP_849188.4, residues 2371-2391): DLQEDQALGS[Leu2381=]APTEAVGRAD